The following is an entry in ClinVar:

ClinVar aggregate classification (germline): Uncertain significance (1 of 4 stars; one submission).

Conditions:
Autosomal dominant limb-girdle muscular dystrophy type 1F (LGMDD2). Also called: Limb-girdle muscular dystrophy, type 1F; MUSCULAR DYSTROPHY, LIMB-GIRDLE, AUTOSOMAL DOMINANT 2. Identifiers: Orphanet 55595, MedGen C1842062, MONDO:0012034, OMIM 608423.

Allele frequency attached by ClinVar (database versions not stated): ExAC 0.00001; gnomAD exomes 0.00001; TOPMed 0.00001.
gnomAD v4.1: 3 of 1,614,146 alleles (0.00019%); highest among the groups gnomAD compares: Admixed American, 0.005%; no homozygotes.

Submission:

Labcorp Genetics (formerly Invitae), Labcorp
Classification: Uncertain significance for Autosomal dominant limb-girdle muscular dystrophy type 1F. Last evaluated: 2024-11-18. Review status: criteria provided, single submitter. Criteria: Invitae Variant Classification Sherloc (09022015). Collection method: clinical testing. Allele origin: germline.
Comment: This sequence change replaces leucine, which is neutral and non-polar, with valine, which is neutral and non-polar, at codon 318 of the TNPO3 protein (p.Leu318Val). This variant is present in population databases (rs762053595, gnomAD 0.009%). This variant has not been reported in the literature in individuals affected with TNPO3-related conditions. ClinVar contains an entry for this variant (Variation ID: 837289). An algorithm developed to predict the effect of missense changes on protein structure and function (PolyPhen-2) suggests that this variant is likely to be tolerated. In summary, the available evidence is currently insufficient to determine the role of this variant in disease. Therefore, it has been classified as a Variant of Uncertain Significance.

NM_012470.4(TNPO3):c.952C>G (p.Leu318Val)

Gene: TNPO3 (transportin 3; minus strand). Cytogenetic location: 7q32.1.
Variant type: single nucleotide variant.
Coding change: c.952C>G on transcript NM_012470.4 (MANE Select); coding-DNA position 952, C replaced by G.
Protein change: p.Leu318Val; replaces leucine 318 with valine.
Molecular consequence: missense variant. On other transcripts: non-coding transcript variant (18).
Genome position (GRCh38, 1-based): chr7:129,000,488, G>C on the plus strand (C>G on the coding strand, the complement: TNPO3 is on the minus strand). VCF-style: chr7-129000488-G-C. GRCh37 (hg19) VCF-style: chr7-128640542-G-C.
Other names: c.952C>G, p.Leu318Val (NM_001191028.3, NM_001382216.1, NM_001382218.1 and 4 more transcripts); c.1033C>G, p.Leu345Val (NM_001382217.1); c.808C>G, p.Leu270Val (NM_001382221.1); short protein forms L318V, L270V, L345V.
Identifiers: ClinVar variation 837289 (VCV000837289.8), dbSNP rs762053595, ClinGen allele CA4478285.